The following is an entry in ClinVar:

ClinVar aggregate classification (germline): Conflicting classifications of pathogenicity. Review status: criteria provided, conflicting classifications (1 of 4 stars). 7 submissions from 6 submitters: Uncertain significance (1); Benign (5); Likely benign (1). Last evaluated 2026-01-18.

Conditions:
Spherocytosis. Identifiers: MedGen C0553720, HP:0004444.
Hereditary spherocytosis type 1. Also called: Spherocytosis type 1; ANK1-Related Spherocytosis. Identifiers: Orphanet 822, MedGen C2674218, MONDO:0008447, OMIM 182900.

Allele frequency attached by ClinVar (database versions not stated): gnomAD exomes 0.01705 and 0.01288; 1000 Genomes Project 30x 0.00562; 1000 Genomes Project 0.00579; TOPMed 0.01059; gnomAD 0.01293 and 0.01340; ExAC 0.01307; ESP Exome Variant Server 0.01484.
gnomAD v4.1: 26,610 of 1,614,230 alleles (1.6%); highest among the groups gnomAD compares: Non-Finnish European, 2%; 293 homozygotes.

Submissions (7):

Labcorp Genetics (formerly Invitae), Labcorp
Classification: Benign. Last evaluated: 2026-01-18. Review status: criteria provided, single submitter. Criteria: Invitae Variant Classification Sherloc (09022015). Collection method: clinical testing. Allele origin: germline.

ARUP Laboratories, Molecular Genetics and Genomics, ARUP Laboratories
Classification: Benign for Hereditary spherocytosis type 1. Last evaluated: 2025-07-23. Review status: criteria provided, single submitter. Criteria: ARUP Molecular Germline Variant Investigation Process 2024. Collection method: clinical testing. Allele origin: germline.

Blueprint Genetics
Classification: Likely benign. Last evaluated: 2024-11-27. Review status: criteria provided, single submitter. Criteria: ACMG Guidelines, 2015. Collection method: clinical testing. Allele origin: germline.

Illumina Laboratory Services, Illumina
Classification: Benign for Hereditary spherocytosis type 1. Last evaluated: 2018-01-13. Review status: criteria provided, single submitter. Criteria: ICSL Variant Classification Criteria 13 December 2019. Collection method: clinical testing. Allele origin: germline.
Comment: This variant was observed in the ICSL laboratory as part of a predisposition screen in an ostensibly healthy population. It had not been previously curated by ICSL or reported in the Human Gene Mutation Database (HGMD: prior to June 1st, 2018), and was therefore a candidate for classification through an automated scoring system. Utilizing variant allele frequency, disease prevalence and penetrance estimates, and inheritance mode, an automated score was calculated to assess if this variant is too frequent to cause the disease. Based on the score and internal cut-off values, a variant classified as benign is not then subjected to further curation. The score for this variant resulted in a classification of benign for this disease.

Illumina Laboratory Services, Illumina
Classification: Uncertain significance for Spherocytosis. Last evaluated: 2018-01-13. Review status: criteria provided, single submitter. Criteria: ICSL Variant Classification Criteria 13 December 2019. Collection method: clinical testing. Allele origin: germline.

Mayo Clinic Laboratories, Mayo Clinic
Classification: Benign. Last evaluated: 2016-04-15. Review status: criteria provided, single submitter. Criteria: ACMG Guidelines, 2015. Collection method: clinical testing. Allele origin: germline. Observed: 60 variant alleles.

PreventionGenetics, part of Exact Sciences
Classification: Benign. Review status: criteria provided, single submitter. Criteria: ACMG Guidelines, 2015. Collection method: clinical testing. Allele origin: germline.

NM_000037.4(ANK1):c.4008G>A (p.Pro1336=)

Gene: ANK1 (ankyrin 1; minus strand). Cytogenetic location: 8p11.21.
Variant type: single nucleotide variant.
Coding change: c.4008G>A on transcript NM_000037.4 (MANE Select); coding-DNA position 4008, G replaced by A.
Protein change: p.Pro1336=; no amino-acid change (proline 1336 retained).
Molecular consequence: synonymous variant.
Genome position (GRCh38, 1-based): chr8:41,690,323, C>T on the plus strand (G>A on the coding strand, the complement: ANK1 is on the minus strand). VCF-style: chr8-41690323-C-T. GRCh37 (hg19) VCF-style: chr8-41547841-C-T.
Other names: p.Pro1336=; c.4131G>A, p.Pro1377= (NM_001142446.2); c.4008G>A, p.Pro1336= (NM_020475.3, NM_020476.3, NM_020477.3).
Identifiers: ClinVar variation 261308 (VCV000261308.26), dbSNP rs147536061, ClinGen allele CA4727703.